The following is an entry in ClinVar:

NM_015338.6(ASXL1):c.2701A>C (p.Ile901Leu)

Gene: ASXL1 (ASXL transcriptional regulator 1; plus strand). Cytogenetic location: 20q11.21.
Variant type: single nucleotide variant.
Coding change: c.2701A>C on transcript NM_015338.6 (MANE Select); coding-DNA position 2701, A replaced by C.
Protein change: p.Ile901Leu; replaces isoleucine 901 with leucine.
Molecular consequence: missense variant.
Genome position (GRCh38, 1-based): chr20:32,435,413, A>C. VCF-style: chr20-32435413-A-C. GRCh37 (hg19) VCF-style: chr20-31023216-A-C.
Other names: c.2518A>C, p.Ile840Leu (NM_001363734.1); short protein forms I840L, I901L.
Identifiers: ClinVar variation 4159370 (VCV004159370.1).

ClinVar aggregate classification (germline): Uncertain significance (1 of 4 stars; one submission).

Conditions:
Inborn genetic diseases. Identifiers: MedGen C0950123, MeSH D030342.

Submission:

Ambry Genetics
Classification: Uncertain significance for Inborn genetic diseases. Last evaluated: 2025-08-30. Review status: criteria provided, single submitter. Criteria: Ambry Variant Classification Scheme 2023. Collection method: clinical testing. Allele origin: germline.
Comment: The p.I901L variant (also known as c.2701A>C), located in coding exon 13 of the ASXL1 gene, results from an A to C substitution at nucleotide position 2701. The isoleucine at codon 901 is replaced by leucine, an amino acid with highly similar properties. This amino acid position is conserved. In addition, this alteration is predicted to be tolerated by in silico analysis. Based on the available evidence, the clinical significance of this variant remains unclear.